The following is an entry in ClinVar:

ClinVar aggregate classification (germline): not provided (0 of 4 stars; one submission).

Allele frequency attached by ClinVar (database versions not stated): gnomAD 0.00001; gnomAD exomes 0.00001 and 0.00002; TOPMed 0.00001.
gnomAD v4.1: 43 of 1,613,370 alleles (0.0027%); highest among the groups gnomAD compares: East Asian, 0.0089%; no homozygotes.

Submission:

ITMI
No classification provided. Condition: AllHighlyPenetrant. Last evaluated: 2013-09-19. Review status: no classification provided. Collection method: reference population. Allele origin: germline.
Comment: Please see associated publication for description of ethnicities

Literature cited by the submitters: PubMed 24728327.

NM_012433.4(SF3B1):c.967A>G (p.Ile323Val)

Gene: SF3B1 (splicing factor 3b subunit 1; minus strand). Cytogenetic location: 2q33.1.
Variant type: single nucleotide variant.
Coding change: c.967A>G on transcript NM_012433.4 (MANE Select); coding-DNA position 967, A replaced by G.
Protein change: p.Ile323Val; replaces isoleucine 323 with valine.
Molecular consequence: missense variant.
Genome position (GRCh38, 1-based): chr2:197,408,519, T>C on the plus strand (A>G on the coding strand, the complement: SF3B1 is on the minus strand). VCF-style: chr2-197408519-T-C. GRCh37 (hg19) VCF-style: chr2-198273243-T-C.
Other names: short protein forms I323V.
Identifiers: ClinVar variation 135243 (VCV000135243.1), dbSNP rs587778679, ClinGen allele CA162122.